The following is an entry in ClinVar:

NM_001244710.2(GFPT1):c.*3134A>G

Gene: GFPT1 (glutamine--fructose-6-phosphate transaminase 1; minus strand). Cytogenetic location: 2p13.3.
Variant type: single nucleotide variant.
Coding change: c.*3134A>G on transcript NM_001244710.2 (MANE Select); 3134 bases downstream of the stop codon, A replaced by G.
Molecular consequence: 3 prime UTR variant.
Genome position (GRCh38, 1-based): chr2:69,323,055, T>C on the plus strand (A>G on the coding strand, the complement: GFPT1 is on the minus strand). VCF-style: chr2-69323055-T-C. GRCh37 (hg19) VCF-style: chr2-69550187-T-C.
Other names: c.*3134A>G (NM_002056.4).
Identifiers: ClinVar variation 336819 (VCV000336819.5), dbSNP rs79748218, ClinGen allele CA10613837.
Genomic context (GRCh38, chr2:69,323,055, plus strand): 5'-GATGTAATTTTCAATGCCAACCACAGTGACTTTCCCATAATAGGTATTAATAAACACTTG[T>C]TGACATAGTTATAATAAGCTAAAAATAGTTAACATTAATTTTTCTCTTTATCTTTTATTC-3'

ClinVar aggregate classification (germline): Likely benign (1 of 4 stars; one submission).

Conditions:
Congenital myasthenic syndrome 12 (CMS12). Also called: MYASTHENIC SYNDROME, CONGENITAL, WITH TUBULAR AGGREGATES 1; Myasthenia, congenital, 12, with tubular aggregates. Identifiers: Orphanet 353327, Orphanet 590, MedGen C3552335, MONDO:0012518, OMIM 610542.

Allele frequency attached by ClinVar (database versions not stated): gnomAD 0.00022 and 0.00035; TOPMed 0.00048; 1000 Genomes Project 30x 0.00219; 1000 Genomes Project 0.00220.
gnomAD v4.1: 52 of 152,390 alleles (0.034%); highest among the groups gnomAD compares: East Asian, 0.92%; no homozygotes.

Submission:

Illumina Laboratory Services, Illumina
Classification: Likely benign for Congenital myasthenic syndrome 12. Last evaluated: 2018-01-12. Review status: criteria provided, single submitter. Criteria: ICSL Variant Classification Criteria 13 December 2019. Collection method: clinical testing. Allele origin: germline.
Comment: This variant was observed in the ICSL laboratory as part of a predisposition screen in an ostensibly healthy population. It had not been previously curated by ICSL or reported in the Human Gene Mutation Database (HGMD: prior to June 1st, 2018), and was therefore a candidate for classification through an automated scoring system. Utilizing variant allele frequency, disease prevalence and penetrance estimates, and inheritance mode, an automated score was calculated to assess if this variant is too frequent to cause the disease. Based on the score and internal cut-off values, a variant classified as likely benign is not then subjected to further curation. The score for this variant resulted in a classification of likely benign for this disease.